The following is an entry in ClinVar:

NM_003839.4(TNFRSF11A):c.1735G>T (p.Asp579Tyr)

Gene: TNFRSF11A (TNF receptor superfamily member 11a; plus strand). Cytogenetic location: 18q21.33.
Variant type: single nucleotide variant.
Coding change: c.1735G>T on transcript NM_003839.4 (MANE Select); coding-DNA position 1735, G replaced by T.
Protein change: p.Asp579Tyr; replaces aspartic acid 579 with tyrosine.
Molecular consequence: missense variant. On other transcripts: 3 prime UTR variant (1).
Genome position (GRCh38, 1-based): chr18:62,384,918, G>T. VCF-style: chr18-62384918-G-T. GRCh37 (hg19) VCF-style: chr18-60052151-G-T.
Other names: c.*159G>T (NM_001270949.2); c.898G>T, p.Asp300Tyr (NM_001270950.2); c.784G>T, p.Asp262Tyr (NM_001270951.2); c.1693G>T, p.Asp565Tyr (NM_001278268.2); c.1735G>T (NM_003839.2); short protein forms D300Y, D565Y, D262Y, D579Y.
Identifiers: ClinVar variation 1440030 (VCV001440030.9), dbSNP rs891909235, ClinGen allele CA301714786.
Genomic context (GRCh38, chr18:62,384,918, plus strand): 5'-GCGGCGGCGGCTGCGGAGCCCATGGGCCGCCCGGTGCAGGAGGAGACCCTGGCGCGCCGA[G>T]ACTCCTTCGCGGGGAACGGCCCGCGCTTCCCGGACCCGTGCGGCGGCCCCGAGGGGCTGC-3'
Protein context (NP_003830.1, residues 569-589): PVQEETLARR[Asp579Tyr]SFAGNGPRFP

ClinVar aggregate classification (germline): Uncertain significance. Review status: criteria provided, multiple submitters, no conflicts (2 of 4 stars). 2 submissions from 2 submitters: Uncertain significance (2). Last evaluated 2025-09-26.

Conditions:
Inborn genetic diseases. Identifiers: MedGen C0950123, MeSH D030342.

Allele frequency attached by ClinVar (database versions not stated): gnomAD 0.00002; gnomAD exomes 0.00002; TOPMed 0.00004.
gnomAD v4.1: 34 of 1,560,864 alleles (0.0022%); highest among the groups gnomAD compares: African/African-American, 0.0041%; no homozygotes.

Submissions (2):

Ambry Genetics
Classification: Uncertain significance for Inborn genetic diseases. Last evaluated: 2025-09-26. Review status: criteria provided, single submitter. Criteria: Ambry Variant Classification Scheme 2023. Collection method: clinical testing. Allele origin: germline.

Labcorp Genetics (formerly Invitae), Labcorp
Classification: Uncertain significance. Last evaluated: 2025-07-29. Review status: criteria provided, single submitter. Criteria: Invitae Variant Classification Sherloc (09022015). Collection method: clinical testing. Allele origin: germline.
Comment: This sequence change replaces aspartic acid, which is acidic and polar, with tyrosine, which is neutral and polar, at codon 579 of the TNFRSF11A protein (p.Asp579Tyr). This variant is present in population databases (no rsID available, gnomAD 0.004%). This variant has not been reported in the literature in individuals affected with TNFRSF11A-related conditions. ClinVar contains an entry for this variant (Variation ID: 1440030). An algorithm developed to predict the effect of missense changes on protein structure and function (PolyPhen-2) suggests that this variant is likely to be disruptive. In summary, the available evidence is currently insufficient to determine the role of this variant in disease. Therefore, it has been classified as a Variant of Uncertain Significance.